The following is an entry in ClinVar:

NM_007055.4(POLR3A):c.1771-7C>T

Gene: POLR3A (RNA polymerase III subunit A; minus strand). Cytogenetic location: 10q22.3.
Variant type: single nucleotide variant.
Coding change: c.1771-7C>T on transcript NM_007055.4 (MANE Select); 7 bases into the intron before coding-DNA position 1771, C replaced by T.
Molecular consequence: intron variant.
Genome position (GRCh38, 1-based): chr10:78,009,682, G>A on the plus strand (C>T on the coding strand, the complement: POLR3A is on the minus strand). VCF-style: chr10-78009682-G-A. GRCh37 (hg19) VCF-style: chr10-79769440-G-A.
Other names: p.?.
Identifiers: ClinVar variation 714486 (VCV000714486.38), dbSNP rs201314157, ClinGen allele CA5571322.

ClinVar aggregate classification (germline): Conflicting classifications of pathogenicity. Review status: criteria provided, conflicting classifications (1 of 4 stars). 5 submissions from 5 submitters: Uncertain significance (1); Benign (1); Likely benign (3). Last evaluated 2026-02-01.

Conditions:
Leukodystrophy, hypomyelinating, 7, with or without oligodontia and/or hypogonadotropic hypogonadism (HLD7). Also called: LEUKOENCEPHALOPATHY, HYPOMYELINATING, WITH ATAXIA AND DELAYED DENTITION; ATAXIA, DELAYED DENTITION, AND HYPOMYELINATION; LEUKODYSTROPHY, HYPOMYELINATING, 7, WITH OLIGODONTIA; LEUKODYSTROPHY, HYPOMYELINATING, 7, WITH OLIGODONTIA AND HYPOGONADOTROPIC HYPOGONADISM; LEUKODYSTROPHY, HYPOMYELINATING, 7, WITHOUT OLIGODONTIA OR HYPOGONADOTROPIC HYPOGONADISM; Ataxia, Delayed Dentition and Hypomyelination (ADDH). Identifiers: Orphanet 137639, Orphanet 447893, Orphanet 447896, Orphanet 77295, Orphanet 88637, MedGen CN034185, MONDO:0011897, OMIM 607694.

Allele frequency attached by ClinVar (database versions not stated): 1000 Genomes Project 0.00100; 1000 Genomes Project 30x 0.00109; TOPMed 0.00116; ESP Exome Variant Server 0.00138.
gnomAD v4.1: 328 of 1,614,138 alleles (0.02%); highest among the groups gnomAD compares: African/African-American, 0.36%; 1 homozygote.

Submissions (5):

CeGaT Center for Human Genetics Tuebingen
Classification: Likely benign. Last evaluated: 2026-02-01. Review status: criteria provided, single submitter. Criteria: CeGaT Center For Human Genetics Tuebingen Variant Classification Criteria Version 2. Collection method: clinical testing. Allele origin: germline. Affected: yes. Observed: 2 variant alleles.
Comment: POLR3A: BP4

Labcorp Genetics (formerly Invitae), Labcorp
Classification: Benign. Last evaluated: 2025-12-26. Review status: criteria provided, single submitter. Criteria: Invitae Variant Classification Sherloc (09022015). Collection method: clinical testing. Allele origin: germline.

Mayo Clinic Laboratories, Mayo Clinic
Classification: Likely benign. Last evaluated: 2025-06-11. Review status: criteria provided, single submitter. Criteria: ACMG Guidelines, 2015. Collection method: clinical testing. Allele origin: germline. Observed: 2 variant alleles.
Comment: BS1, BP4

Blueprint Genetics
Classification: Uncertain significance. Last evaluated: 2023-10-14. Review status: criteria provided, single submitter. Criteria: ACMG Guidelines, 2015. Collection method: clinical testing. Allele origin: germline.

Illumina Laboratory Services, Illumina
Classification: Likely benign for Leukodystrophy, hypomyelinating, 7, with or without oligodontia and/or hypogonadotropic hypogonadism. Last evaluated: 2018-01-13. Review status: criteria provided, single submitter. Criteria: ICSL Variant Classification Criteria 13 December 2019. Collection method: clinical testing. Allele origin: germline.
Comment: This variant was observed in the ICSL laboratory as part of a predisposition screen in an ostensibly healthy population. It had not been previously curated by ICSL or reported in the Human Gene Mutation Database (HGMD: prior to June 1st, 2018), and was therefore a candidate for classification through an automated scoring system. Utilizing variant allele frequency, disease prevalence and penetrance estimates, and inheritance mode, an automated score was calculated to assess if this variant is too frequent to cause the disease. Based on the score and internal cut-off values, a variant classified as likely benign is not then subjected to further curation. The score for this variant resulted in a classification of likely benign for this disease.